The following is an entry in ClinVar:

NM_007294.4(BRCA1):c.5332+7G>C

Gene: BRCA1 (BRCA1 DNA repair associated; minus strand). Cytogenetic location: 17q21.31.
Variant type: single nucleotide variant.
Coding change: c.5332+7G>C on transcript NM_007294.4 (MANE Select); 7 bases into the intron after coding-DNA position 5332, G replaced by C.
Molecular consequence: intron variant.
Genome position (GRCh38, 1-based): chr17:43,051,056, C>G on the plus strand (G>C on the coding strand, the complement: BRCA1 is on the minus strand). VCF-style: chr17-43051056-C-G. GRCh37 (hg19) VCF-style: chr17-41203073-C-G.
Other names: c.5185+7G>C (NM_001407849.1, NM_001407845.1, NM_001407852.1 and 12 more transcripts); c.5188+7G>C (NM_001407744.1, NM_001407750.1, NM_001407732.1 and 21 more transcripts); c.1759+7G>C (NM_001408496.1, NM_001408499.1, NM_001408498.1 and 3 more transcripts); c.5065+7G>C (NM_001407929.1, NM_001407930.1, NM_001407933.1 and 4 more transcripts); c.5068+7G>C (NM_001407924.1, NM_001407920.1, NM_001407923.1 and 4 more transcripts); c.1879+7G>C (NM_001408460.1, NM_001408465.1, NM_001408463.1 and 7 more transcripts); c.1882+7G>C (NM_001408454.1, NM_001408456.1, NM_001408453.1 and 3 more transcripts); c.5191+7G>C (NM_001407698.1, NM_001407942.1, NM_001407694.1 and 13 more transcripts); and 74 more.
Identifiers: ClinVar variation 865607 (VCV000865607.3), dbSNP rs773655919, ClinGen allele CA916081017.

Conditions:
Breast-ovarian cancer, familial, susceptibility to, 1 (BROVCA1). Also called: BRCA1 Hereditary Breast and Ovarian Cancer; OVARIAN CANCER, SUSCEPTIBILITY TO. Identifiers: Orphanet 145, MedGen C2676676, MONDO:0011450, OMIM 604370. Disease mechanism: loss of function.

Submission:

Brotman Baty Institute, University of Washington
No classification provided (evidence only). Condition: Breast-ovarian cancer, familial 1. Review status: no classification provided. Collection method: in vitro. Allele origin: not applicable. Functional consequence: functionally_normal.
ClinVar note: "not provided" was previously submitted as the classification for the variant. However, the classification appeared to be based only on an observation of functional data so it was converted to no classification on 2025-07-30.